The following is an entry in ClinVar:

ClinVar aggregate classification (germline): Uncertain significance. Review status: criteria provided, multiple submitters, no conflicts (2 of 4 stars). 2 submissions from 2 submitters: Uncertain significance (2). Last evaluated 2025-12-02.

Allele frequency attached by ClinVar (database versions not stated): gnomAD 0.00009; TOPMed 0.00012; 1000 Genomes Project 0.00020; 1000 Genomes Project 30x 0.00031; gnomAD exomes 0.00001 and 0.00003; ExAC 0.00002.
gnomAD v4.1: 33 of 1,614,172 alleles (0.002%); highest among the groups gnomAD compares: African/African-American, 0.037%; no homozygotes.

Submissions (2):

Labcorp Genetics (formerly Invitae), Labcorp
Classification: Uncertain significance. Last evaluated: 2025-12-02. Review status: criteria provided, single submitter. Criteria: Invitae Variant Classification Sherloc (09022015). Collection method: clinical testing. Allele origin: germline.
Comment: This sequence change replaces glutamic acid, which is acidic and polar, with lysine, which is basic and polar, at codon 577 of the KIF20A protein (p.Glu577Lys). This variant is present in population databases (rs200142157, gnomAD 0.03%). This variant has not been reported in the literature in individuals affected with KIF20A-related conditions. ClinVar contains an entry for this variant (Variation ID: 1399958). An algorithm developed to predict the effect of missense changes on protein structure and function (PolyPhen-2) suggests that this variant is likely to be disruptive. In summary, the available evidence is currently insufficient to determine the role of this variant in disease. Therefore, it has been classified as a Variant of Uncertain Significance.

Ambry Genetics
Classification: Uncertain significance. Last evaluated: 2023-06-27. Review status: criteria provided, single submitter. Criteria: Ambry Variant Classification Scheme 2023. Collection method: clinical testing. Allele origin: germline.

NM_005733.3(KIF20A):c.1729G>A (p.Glu577Lys)

Gene: KIF20A (kinesin family member 20A; plus strand). Cytogenetic location: 5q31.2.
Variant type: single nucleotide variant.
Coding change: c.1729G>A on transcript NM_005733.3 (MANE Select); coding-DNA position 1729, G replaced by A.
Protein change: p.Glu577Lys; replaces glutamic acid 577 with lysine.
Molecular consequence: missense variant.
Genome position (GRCh38, 1-based): chr5:138,184,852, G>A. VCF-style: chr5-138184852-G-A. GRCh37 (hg19) VCF-style: chr5-137520541-G-A.
Other names: c.1729G>A (NM_005733.2); short protein forms E577K.
Identifiers: ClinVar variation 1399958 (VCV001399958.7), dbSNP rs200142157, ClinGen allele CA3426693.